The following is an entry in ClinVar:

ClinVar aggregate classification (germline): Uncertain significance (1 of 4 stars; one submission).

Submission:

ISCA site 14
Classification: Uncertain significance. Last evaluated: 2011-08-12. Review status: criteria provided, single submitter. Criteria: Kaminsky et al. (Genet Med. 2011). Collection method: clinical testing. Allele origin: de novo. Affected: yes. Observed: 1 variant allele.
Comment: Copy number variation identified through the course of routine clinical cytogenomic testing in postnatal populations. Clinical assertions have been curated as described in Kaminsky et al. 2011.

GRCh38/hg38 9p24.3(chr9:556625-789845)x1

Genes: KANK1 (KN motif and ankyrin repeat domains 1; plus strand), KANK1-AS1 (KANK1 antisense RNA 1; minus strand), LOC124210605 (Sharpr-MPRA regulatory region 15053; plus strand), LOC126860553 (BRD4-independent group 4 enhancer GRCh37_chr9:621337-622536; plus strand), LOC126860554 (MED14-independent group 3 enhancer GRCh37_chr9:737889-739088; plus strand) and 1 more. Cytogenetic location: 9p24.3.
Variant type: copy number loss.
Change: copy number 1 (one copy instead of two) of chr9:556,625-789,845 (233.2 kb, GRCh38 coordinates, 1-based), cytogenetic band 9p24.3.
Identifiers: ClinVar variation 59051 (VCV000059051.1).